The following is an entry in ClinVar:

ClinVar aggregate classification (germline): Likely pathogenic. Review status: criteria provided, multiple submitters, no conflicts (2 of 4 stars). 2 submissions from 2 submitters: Likely pathogenic (2). Last evaluated 2024-04-05.

Conditions:
Lissencephaly type 1 due to doublecortin gene mutation. Also called: LISSENCEPHALY AND AGENESIS OF CORPUS CALLOSUM; LISSENCEPHALY, X-LINKED, 1. Identifiers: Orphanet 2148, MedGen C4551968, MONDO:0010239, OMIM 300067.

Submissions (2):

Institute of Immunology and Genetics Kaiserslautern
Classification: Likely pathogenic for Lissencephaly type 1 due to doublecortin gene mutation. Last evaluated: 2024-04-05. Review status: criteria provided, single submitter. Criteria: ACMG Guidelines, 2015. Collection method: clinical testing. Allele origin: de novo. Affected: yes.
Comment: ACMG Criteria: PM2_P, PP3, PS2, PP5; Variant was found in heterozygous state

Kasturba Medical College, Manipal, Kasturba Medical College, Manipal, Manipal Academy of Higher Education, Manipal, India
Classification: Likely pathogenic for Lissencephaly type 1 due to doublecortin gene mutation. Last evaluated: 2023-01-23. Review status: criteria provided, single submitter. Criteria: ACMG Guidelines, 2015. Collection method: clinical testing. Allele origin: de novo. Affected: yes.

NM_001195553.2(DCX):c.536C>A (p.Pro179His)

Gene: DCX (doublecortin; minus strand). Cytogenetic location: Xq23.
Variant type: single nucleotide variant.
Coding change: c.536C>A on transcript NM_001195553.2 (MANE Select); coding-DNA position 536, C replaced by A.
Protein change: p.Pro179His; replaces proline 179 with histidine.
Molecular consequence: missense variant.
Genome position (GRCh38, 1-based): chrX:111,401,159, G>T on the plus strand (C>A on the coding strand, the complement: DCX is on the minus strand). VCF-style: chrX-111401159-G-T. GRCh37 (hg19) VCF-style: chrX-110644387-G-T.
Other names: c.779C>A, p.Pro260His (NM_000555.3); c.536C>A, p.Pro179His (NM_001369370.1, NM_001369371.1, NM_001369372.1 and 6 more transcripts); c.536C>A (NM_001195553.1); short protein forms P179H, P260H.
Identifiers: ClinVar variation 2430137 (VCV002430137.2), dbSNP rs2524835526, ClinGen allele CA414246146.
Genomic context (GRCh38, chrX:111,401,159, plus strand): 5'-AGAAGCACACGCACAGCCTTCCGAGGCTTCACCCCACTGCGGATGATGGTAACCAGCTTG[G>T]GGCGCACAAAGTCCTTGTTCTCCCTGGCCTGTGCACTGTTGCTGCTAGCCAAGGACTGGG-3'
Protein context (NP_001182482.1, residues 169-189): QARENKDFVR[Pro179His]KLVTIIRSGV